The following is an entry in ClinVar:

ClinVar aggregate classification (germline): Uncertain significance. Review status: criteria provided, multiple submitters, no conflicts (2 of 4 stars). 3 submissions from 3 submitters: Uncertain significance (3). Last evaluated 2025-09-25.

Conditions:
Anemia, congenital dyserythropoietic, type 1a (CDAN1A). Also called: DYSERYTHROPOIETIC ANEMIA, CONGENITAL, TYPE Ia; CDAN1-Related Congenital Dyserythropoietic Anemia. Identifiers: MedGen C5574667, MONDO:0009135, OMIM 224120.
Inborn genetic diseases. Identifiers: MedGen C0950123, MeSH D030342.

Allele frequency attached by ClinVar (database versions not stated): gnomAD exomes 0.00007; TOPMed 0.00008; gnomAD 0.00009; ExAC 0.00011.
gnomAD v4.1: 106 of 1,613,420 alleles (0.0066%); highest among the groups gnomAD compares: African/African-American, 0.0093%; no homozygotes.

Submissions (3):

Ambry Genetics
Classification: Uncertain significance for Inborn genetic diseases. Last evaluated: 2025-09-25. Review status: criteria provided, single submitter. Criteria: Ambry Variant Classification Scheme 2023. Collection method: clinical testing. Allele origin: germline.

Labcorp Genetics (formerly Invitae), Labcorp
Classification: Uncertain significance. Last evaluated: 2023-08-08. Review status: criteria provided, single submitter. Criteria: Invitae Variant Classification Sherloc (09022015). Collection method: clinical testing. Allele origin: germline.
Comment: In summary, the available evidence is currently insufficient to determine the role of this variant in disease. Therefore, it has been classified as a Variant of Uncertain Significance. An algorithm developed to predict the effect of missense changes on protein structure and function (PolyPhen-2) suggests that this variant is likely to be disruptive. This sequence change replaces proline, which is neutral and non-polar, with leucine, which is neutral and non-polar, at codon 954 of the CDAN1 protein (p.Pro954Leu). This variant is present in population databases (rs773023944, gnomAD 0.02%). This variant has not been reported in the literature in individuals affected with CDAN1-related conditions. ClinVar contains an entry for this variant (Variation ID: 2439830).

Revvity Omics, Revvity
Classification: Uncertain significance for Anemia, congenital dyserythropoietic, type 1a. Last evaluated: 2021-10-05. Review status: criteria provided, single submitter. Criteria: ACMG Guidelines, 2015. Collection method: clinical testing. Allele origin: germline.

NM_138477.4(CDAN1):c.2861C>T (p.Pro954Leu)

Gene: CDAN1 (codanin 1; minus strand). Cytogenetic location: 15q15.2.
Variant type: single nucleotide variant.
Coding change: c.2861C>T on transcript NM_138477.4 (MANE Select); coding-DNA position 2861, C replaced by T.
Protein change: p.Pro954Leu; replaces proline 954 with leucine.
Molecular consequence: missense variant.
Genome position (GRCh38, 1-based): chr15:42,728,211, G>A on the plus strand (C>T on the coding strand, the complement: CDAN1 is on the minus strand). VCF-style: chr15-42728211-G-A. GRCh37 (hg19) VCF-style: chr15-43020409-G-A.
Other names: c.2861C>T (NM_138477.2); short protein forms P954L.
Identifiers: ClinVar variation 2439830 (VCV002439830.5), dbSNP rs773023944, ClinGen allele CA7515434.
Genomic context (GRCh38, chr15:42,728,211, plus strand): 5'-GCACCTCCCCACAACTGCCTGGCCTGCTAGCTGCAGGCCTCCCTCACACGTACGGCTGCC[G>A]GGGTCTCCTCTGGAAGCAGCGCCCGCACAGCCCCAGGGCTCTTCCTTTGACAGAACCTAA-3'
Protein context (NP_612486.2, residues 944-964): AVRALLPEET[Pro954Leu]AAVLSSAENI